The following is an entry in ClinVar:

NM_001291303.3(FAT4):c.14837T>C (p.Val4946Ala)

Gene: FAT4 (FAT atypical cadherin 4; plus strand). Cytogenetic location: 4q28.1.
Variant type: single nucleotide variant.
Coding change: c.14837T>C on transcript NM_001291303.3 (MANE Select); coding-DNA position 14837, T replaced by C.
Protein change: p.Val4946Ala; replaces valine 4946 with alanine.
Molecular consequence: missense variant.
Genome position (GRCh38, 1-based): chr4:125,491,653, T>C. VCF-style: chr4-125491653-T-C. GRCh37 (hg19) VCF-style: chr4-126412808-T-C.
Other names: c.14834T>C, p.Val4945Ala (NM_001291285.3); c.14831T>C, p.Val4944Ala (NM_024582.6); short protein forms V4944A, V4945A, V4946A.
Identifiers: ClinVar variation 1014841 (VCV001014841.2), dbSNP rs1727651908, ClinGen allele CA358143806.
Genomic context (GRCh38, chr4:125,491,653, plus strand): 5'-AAGCAGGGACTTTCAACTGGGACAACCTTTTGAACTGGGGCCCTGGCTTTGGCCATTATG[T>C]AGATGTTTTTAAAGATTTGGCATCTCTTCCAGAAAAAGCAGCAGCAAATGAAGAAGGCAA-3'
Protein context (NP_001278232.1, residues 4936-4956): LNWGPGFGHY[Val4946Ala]DVFKDLASLP

ClinVar aggregate classification (germline): Uncertain significance (1 of 4 stars; one submission).

Allele frequency attached by ClinVar (database versions not stated): gnomAD exomes below 0.00001.
gnomAD v4.1: 2 of 1,614,132 alleles (0.00012%); highest among the groups gnomAD compares: East Asian, 0.0022%; no homozygotes.

Submission:

Labcorp Genetics (formerly Invitae), Labcorp
Classification: Uncertain significance. Last evaluated: 2022-06-13. Review status: criteria provided, single submitter. Criteria: Invitae Variant Classification Sherloc (09022015). Collection method: clinical testing. Allele origin: germline.
Comment: This sequence change replaces valine, which is neutral and non-polar, with alanine, which is neutral and non-polar, at codon 4944 of the FAT4 protein (p.Val4944Ala). This variant is not present in population databases (gnomAD no frequency). This variant has not been reported in the literature in individuals affected with FAT4-related conditions. ClinVar contains an entry for this variant (Variation ID: 1014841). Advanced modeling of protein sequence and biophysical properties (such as structural, functional, and spatial information, amino acid conservation, physicochemical variation, residue mobility, and thermodynamic stability) performed at Invitae indicates that this missense variant is not expected to disrupt FAT4 protein function. Algorithms developed to predict the effect of sequence changes on RNA splicing suggest that this variant may create or strengthen a splice site. In summary, the available evidence is currently insufficient to determine the role of this variant in disease. Therefore, it has been classified as a Variant of Uncertain Significance.